The following is an entry in ClinVar:

ClinVar aggregate classification (germline): Pathogenic (1 of 4 stars; one submission).

Submission:

Labcorp Genetics (formerly Invitae), Labcorp
Classification: Pathogenic. Last evaluated: 2025-10-22. Review status: criteria provided, single submitter. Criteria: Invitae Variant Classification Sherloc (09022015). Collection method: clinical testing. Allele origin: germline.
Comment: This sequence change creates a premature translational stop signal (p.Gln53*) in the LOX gene. It is expected to result in an absent or disrupted protein product. Loss-of-function variants in LOX are known to be pathogenic (PMID: 12417550, 26838787, 27432961). This variant is not present in population databases (gnomAD no frequency). This variant has not been reported in the literature in individuals affected with LOX-related conditions. For these reasons, this variant has been classified as Pathogenic.

Literature cited by the submitters: PubMed 12417550; PubMed 26838787; PubMed 27432961.

NM_002317.7(LOX):c.157C>T (p.Gln53Ter)

Genes: LOX (lysyl oxidase; minus strand), SRFBP1 (serum response factor binding protein 1; plus strand). Cytogenetic location: 5q23.1.
Variant type: single nucleotide variant.
Coding change: c.157C>T on transcript NM_002317.7 (MANE Select); coding-DNA position 157, C replaced by T.
Protein change: p.Gln53Ter; replaces glutamine 53 with a stop codon.
Molecular consequence: nonsense.
Genome position (GRCh38, 1-based): chr5:122,077,829, G>A on the plus strand (C>T on the coding strand, the complement: LOX is on the minus strand). VCF-style: chr5-122077829-G-A. GRCh37 (hg19) VCF-style: chr5-121413524-G-A.
Other names: short protein forms Q53*.
Identifiers: ClinVar variation 4726882 (VCV004726882.1).